The following is an entry in ClinVar:

ClinVar aggregate classification (germline): Uncertain significance (1 of 4 stars; one submission).

Allele frequency attached by ClinVar (database versions not stated): gnomAD 0.00001; TOPMed 0.00001; ExAC 0.00002; gnomAD exomes 0.00002.
gnomAD v4.1: 13 of 1,613,988 alleles (0.00081%); highest among the groups gnomAD compares: Non-Finnish European, 0.0011%; no homozygotes.

Submission:

Labcorp Genetics (formerly Invitae), Labcorp
Classification: Uncertain significance. Last evaluated: 2024-10-25. Review status: criteria provided, single submitter. Criteria: Invitae Variant Classification Sherloc (09022015). Collection method: clinical testing. Allele origin: germline.
Comment: This sequence change replaces histidine, which is basic and polar, with arginine, which is basic and polar, at codon 579 of the CLCN6 protein (p.His579Arg). This variant is present in population databases (rs759569800, gnomAD 0.004%). This variant has not been reported in the literature in individuals affected with CLCN6-related conditions. ClinVar contains an entry for this variant (Variation ID: 1483534). An algorithm developed to predict the effect of missense changes on protein structure and function (PolyPhen-2) suggests that this variant is likely to be disruptive. In summary, the available evidence is currently insufficient to determine the role of this variant in disease. Therefore, it has been classified as a Variant of Uncertain Significance.

NM_001286.5(CLCN6):c.1736A>G (p.His579Arg)

Gene: CLCN6 (chloride voltage-gated channel 6; plus strand). Cytogenetic location: 1p36.22.
Variant type: single nucleotide variant.
Coding change: c.1736A>G on transcript NM_001286.5 (MANE Select); coding-DNA position 1736, A replaced by G.
Protein change: p.His579Arg; replaces histidine 579 with arginine.
Molecular consequence: missense variant. On other transcripts: non-coding transcript variant (1).
Genome position (GRCh38, 1-based): chr1:11,834,533, A>G. VCF-style: chr1-11834533-A-G. GRCh37 (hg19) VCF-style: chr1-11894590-A-G.
Other names: c.1670A>G, p.His557Arg (NM_001256959.2); short protein forms H557R, H579R.
Identifiers: ClinVar variation 1483534 (VCV001483534.6), dbSNP rs759569800, ClinGen allele CA596592.